The following is an entry in ClinVar:

NM_014762.4(DHCR24):c.1330C>T (p.Arg444Cys)

Gene: DHCR24 (24-dehydrocholesterol reductase; minus strand). Cytogenetic location: 1p32.3.
Variant type: single nucleotide variant.
Coding change: c.1330C>T on transcript NM_014762.4 (MANE Select); coding-DNA position 1330, C replaced by T.
Protein change: p.Arg444Cys; replaces arginine 444 with cysteine.
Molecular consequence: missense variant.
Genome position (GRCh38, 1-based): chr1:54,853,501, G>A on the plus strand (C>T on the coding strand, the complement: DHCR24 is on the minus strand). VCF-style: chr1-54853501-G-A. GRCh37 (hg19) VCF-style: chr1-55319174-G-A.
Other names: c.1330C>T (NM_014762.3); short protein forms R444C.
Identifiers: ClinVar variation 1424149 (VCV001424149.6), dbSNP rs369624032, ClinGen allele CA870585.

ClinVar aggregate classification (germline): Conflicting classifications of pathogenicity. Review status: criteria provided, conflicting classifications (1 of 4 stars). 2 submissions from 2 submitters: Uncertain significance (1); Likely benign (1). Last evaluated 2023-03-14.

Conditions:
Inborn genetic diseases. Identifiers: MedGen C0950123, MeSH D030342.

Allele frequency attached by ClinVar (database versions not stated): ExAC 0.00005; gnomAD exomes 0.00005 and 0.00011; ESP Exome Variant Server 0.00008; gnomAD 0.00014 and 0.00016; 1000 Genomes Project 30x 0.00016; TOPMed 0.00017; 1000 Genomes Project 0.00020.

Submissions (2):

Ambry Genetics
Classification: Likely benign for Inborn genetic diseases. Last evaluated: 2023-03-14. Review status: criteria provided, single submitter. Criteria: Ambry Variant Classification Scheme 2023. Collection method: clinical testing. Allele origin: germline.

Labcorp Genetics (formerly Invitae), Labcorp
Classification: Uncertain significance. Last evaluated: 2022-07-06. Review status: criteria provided, single submitter. Criteria: Invitae Variant Classification Sherloc (09022015). Collection method: clinical testing. Allele origin: germline.
Comment: This sequence change replaces arginine, which is basic and polar, with cysteine, which is neutral and slightly polar, at codon 444 of the DHCR24 protein (p.Arg444Cys). This variant is present in population databases (rs369624032, gnomAD 0.06%). This variant has not been reported in the literature in individuals affected with DHCR24-related conditions. ClinVar contains an entry for this variant (Variation ID: 1424149). Algorithms developed to predict the effect of missense changes on protein structure and function are either unavailable or do not agree on the potential impact of this missense change (SIFT: "Deleterious"; PolyPhen-2: "Possibly Damaging"; Align-GVGD: "Class C15"). Algorithms developed to predict the effect of sequence changes on RNA splicing suggest that this variant may create or strengthen a splice site. In summary, the available evidence is currently insufficient to determine the role of this variant in disease. Therefore, it has been classified as a Variant of Uncertain Significance.